The following is an entry in ClinVar:

ClinVar aggregate classification (germline): Uncertain significance (1 of 4 stars; one submission).

Allele frequency attached by ClinVar (database versions not stated): ExAC 0.00002; gnomAD exomes 0.00001; TOPMed 0.00001.
gnomAD v4.1: 8 of 1,613,760 alleles (0.0005%); highest among the groups gnomAD compares: Admixed American, 0.012%; no homozygotes.

Submission:

Labcorp Genetics (formerly Invitae), Labcorp
Classification: Uncertain significance. Last evaluated: 2025-10-12. Review status: criteria provided, single submitter. Criteria: Invitae Variant Classification Sherloc (09022015). Collection method: clinical testing. Allele origin: germline.
Comment: This sequence change replaces alanine, which is neutral and non-polar, with valine, which is neutral and non-polar, at codon 189 of the C1QTNF5 protein (p.Ala189Val). This variant is present in population databases (rs750204794, gnomAD 0.02%). This variant has not been reported in the literature in individuals affected with C1QTNF5-related conditions. ClinVar contains an entry for this variant (Variation ID: 2979483). An algorithm developed to predict the effect of missense changes on protein structure and function (PolyPhen-2) suggests that this variant is likely to be tolerated. In summary, the available evidence is currently insufficient to determine the role of this variant in disease. Therefore, it has been classified as a Variant of Uncertain Significance.

NM_001278431.2(C1QTNF5):c.566C>T (p.Ala189Val)

Genes: C1QTNF5 (C1q and TNF related 5; minus strand), MFRP (membrane frizzled-related protein; minus strand). Cytogenetic location: 11q23.3.
Variant type: single nucleotide variant.
Coding change: c.566C>T on transcript NM_001278431.2 (MANE Select); coding-DNA position 566, C replaced by T.
Protein change: p.Ala189Val; replaces alanine 189 with valine.
Molecular consequence: missense variant. On other transcripts: 3 prime UTR variant (1).
Genome position (GRCh38, 1-based): chr11:119,339,497, G>A on the plus strand (C>T on the coding strand, the complement: C1QTNF5 is on the minus strand). VCF-style: chr11-119339497-G-A. GRCh37 (hg19) VCF-style: chr11-119210207-G-A.
Other names: c.566C>T, p.Ala189Val (NM_015645.5); c.*1462C>T (NM_031433.4); short protein forms A189V.
Identifiers: ClinVar variation 2979483 (VCV002979483.3), dbSNP rs750204794, ClinGen allele CA6319923.